The following is an entry in ClinVar:

ClinVar aggregate classification (germline): Uncertain significance (1 of 4 stars; one submission).

Submission:

Labcorp Genetics (formerly Invitae), Labcorp
Classification: Uncertain significance. Last evaluated: 2025-06-13. Review status: criteria provided, single submitter. Criteria: Invitae Variant Classification Sherloc (09022015). Collection method: clinical testing. Allele origin: germline.
Comment: This sequence change replaces glutamic acid, which is acidic and polar, with glutamine, which is neutral and polar, at codon 253 of the GUCY2C protein (p.Glu253Gln). This variant is not present in population databases (gnomAD no frequency). This variant has not been reported in the literature in individuals affected with GUCY2C-related conditions. ClinVar contains an entry for this variant (Variation ID: 3683547). Invitae Evidence Modeling of protein sequence and biophysical properties (such as structural, functional, and spatial information, amino acid conservation, physicochemical variation, residue mobility, and thermodynamic stability) indicates that this missense variant is not expected to disrupt GUCY2C protein function with a negative predictive value of 80%. In summary, the available evidence is currently insufficient to determine the role of this variant in disease. Therefore, it has been classified as a Variant of Uncertain Significance.

NM_004963.4(GUCY2C):c.757G>C (p.Glu253Gln)

Genes: GUCY2C (guanylate cyclase 2C; minus strand), GUCY2C-AS1 (GUCY2C antisense RNA 1; plus strand). Cytogenetic location: 12p12.3.
Variant type: single nucleotide variant.
Coding change: c.757G>C on transcript NM_004963.4 (MANE Select); coding-DNA position 757, G replaced by C.
Protein change: p.Glu253Gln; replaces glutamic acid 253 with glutamine.
Molecular consequence: missense variant.
Genome position (GRCh38, 1-based): chr12:14,679,730, C>G on the plus strand (G>C on the coding strand, the complement: GUCY2C is on the minus strand). VCF-style: chr12-14679730-C-G. GRCh37 (hg19) VCF-style: chr12-14832664-C-G.
Other names: short protein forms E253Q.
Identifiers: ClinVar variation 3683547 (VCV003683547.2).
Genomic context (GRCh38, chr12:14,679,730, plus strand): 5'-CTAGAATAATGACAATGTCTTCAGCCACTGCTCGGTCACCCTTCAGCTTGTAGAGGAACT[C>G]TGGACCACCACACATAATAATCACTGGAGGAGAAGGTAAGACAAGGAGAGAAATATATGA-3'
Protein context (NP_004954.2, residues 243-263): SNVIIMCGGP[Glu253Gln]FLYKLKGDRA